The following is an entry in ClinVar:

ClinVar aggregate classification (germline): Uncertain significance (1 of 4 stars; one submission).

Submission:

Labcorp Genetics (formerly Invitae), Labcorp
Classification: Uncertain significance. Last evaluated: 2022-02-17. Review status: criteria provided, single submitter. Criteria: Invitae Variant Classification Sherloc (09022015). Collection method: clinical testing. Allele origin: germline.
Comment: This sequence change creates a premature translational stop signal (p.Asn140Glnfs*24) in the KPNA7 gene. It is expected to result in an absent or disrupted protein product. However, the current clinical and genetic evidence is not sufficient to establish whether loss-of-function variants in KPNA7 cause disease. This variant is present in population databases (rs778635680, gnomAD 0.03%). This variant has not been reported in the literature in individuals affected with KPNA7-related conditions. ClinVar contains an entry for this variant (Variation ID: 649174). Algorithms developed to predict the effect of sequence changes on RNA splicing suggest that this variant may disrupt the consensus splice site. In summary, the available evidence is currently insufficient to determine the role of this variant in disease. Therefore, it has been classified as a Variant of Uncertain Significance.

NM_001145715.3(KPNA7):c.417dup (p.Asn140fs)

Gene: KPNA7 (karyopherin subunit alpha 7; minus strand). Cytogenetic location: 7q22.1.
Variant type: Duplication.
Coding change: c.417dup on transcript NM_001145715.3 (MANE Select); coding-DNA position 417, one base duplicated (C; older notation c.417dupC).
Protein change: p.Asn140fs; shifts the reading frame from asparagine 140.
Molecular consequence: frameshift variant.
Genome position (GRCh38, 1-based): chr7:99,195,206, G duplicated on the plus strand (C on the coding strand, the reverse complement: KPNA7 is on the minus strand); the first of 2 consecutive G bases (chr7:99,195,206-99,195,207); duplicating either gives the same sequence. VCF-style (leftmost placement, unchanged base first): chr7-99195205-T-TG. GRCh37 (hg19) VCF-style: chr7-98792828-T-TG.
Other names: short protein forms N140fs.
Identifiers: ClinVar variation 649174 (VCV000649174.4), dbSNP rs778635680, ClinGen allele CA4363255.